The following is an entry in ClinVar:

NM_004104.5(FASN):c.6370C>T (p.Gln2124Ter)

Gene: FASN (fatty acid synthase; minus strand). Cytogenetic location: 17q25.3.
Variant type: single nucleotide variant.
Coding change: c.6370C>T on transcript NM_004104.5 (MANE Select); coding-DNA position 6370, C replaced by T.
Protein change: p.Gln2124Ter; replaces glutamine 2124 with a stop codon.
Molecular consequence: nonsense.
Genome position (GRCh38, 1-based): chr17:82,081,637, G>A on the plus strand (C>T on the coding strand, the complement: FASN is on the minus strand). VCF-style: chr17-82081637-G-A. GRCh37 (hg19) VCF-style: chr17-80039513-G-A.
Other names: short protein forms Q2124*.
Identifiers: ClinVar variation 1007482 (VCV001007482.7), dbSNP rs2033989007, ClinGen allele CA401600694.

ClinVar aggregate classification (germline): Uncertain significance (1 of 4 stars; one submission).

Conditions:
Epileptic encephalopathy. Identifiers: MedGen C0543888, HP:0200134.

Submission:

Labcorp Genetics (formerly Invitae), Labcorp
Classification: Uncertain significance for Epileptic encephalopathy. Last evaluated: 2020-01-21. Review status: criteria provided, single submitter. Criteria: Invitae Variant Classification Sherloc (09022015). Collection method: clinical testing. Allele origin: germline.
Comment: In summary, the available evidence is currently insufficient to determine the role of this variant in disease. Therefore, it has been classified as a Variant of Uncertain Significance. The current clinical and genetic evidence is not sufficient to establish whether loss-of-function variants in FASN cause disease. This variant has not been reported in the literature in individuals with FASN-related conditions. This variant is not present in population databases (ExAC no frequency). This sequence change creates a premature translational stop signal (p.Gln2124*) in the FASN gene. It is expected to result in an absent or disrupted protein product.